The following is an entry in ClinVar:

NM_000051.4(ATM):c.5017A>G (p.Ser1673Gly)

Gene: ATM (ATM serine/threonine kinase; plus strand). Cytogenetic location: 11q22.3.
Variant type: single nucleotide variant.
Coding change: c.5017A>G on transcript NM_000051.4 (MANE Select); coding-DNA position 5017, A replaced by G.
Protein change: p.Ser1673Gly; replaces serine 1673 with glycine.
Molecular consequence: missense variant.
Genome position (GRCh38, 1-based): chr11:108,299,725, A>G. VCF-style: chr11-108299725-A-G. GRCh37 (hg19) VCF-style: chr11-108170452-A-G.
Other names: c.5017A>G, p.Ser1673Gly (NM_001351834.2); short protein forms S1673G.
Identifiers: ClinVar variation 1308947 (VCV001308947.3), dbSNP rs2135888197, ClinGen allele CA382540105.

ClinVar aggregate classification (germline): Uncertain significance. Review status: criteria provided, multiple submitters, no conflicts (2 of 4 stars). 2 submissions from 2 submitters: Uncertain significance (2). Last evaluated 2026-07-06.

Conditions:
Hereditary cancer-predisposing syndrome. Also called: Neoplastic Syndromes, Hereditary; Tumor predisposition; Hereditary Cancer Syndrome; Hereditary neoplastic syndrome. Identifiers: Orphanet 140162, MedGen C0027672, MeSH D009386, MONDO:0015356.

Submissions (2):

Ambry Genetics
Classification: Uncertain significance for Hereditary cancer-predisposing syndrome. Last evaluated: 2026-07-06. Review status: criteria provided, single submitter. Criteria: Ambry Variant Classification Scheme 2023. Collection method: clinical testing. Allele origin: germline.
Comment: The p.S1673G variant (also known as c.5017A>G), located in coding exon 33 of the ATM gene, results from an A to G substitution at nucleotide position 5017. The serine at codon 1673 is replaced by glycine, an amino acid with similar properties. In an assay testing ATM function, this variant showed a functionally abnormal result (Lee KS et al. Cell, 2025 Sep;188:5081-5099.e27). This amino acid position is not well conserved in available vertebrate species. In addition, this alteration is predicted to be tolerated by in silico analysis. Based on the available evidence, the clinical significance of this variant remains unclear.

GeneDx
Classification: Uncertain significance. Last evaluated: 2019-09-26. Review status: criteria provided, single submitter. Criteria: GeneDx Variant Classification Process June 2021. Collection method: clinical testing. Allele origin: germline. Affected: yes.
Comment: Not observed in large population cohorts (Lek et al., 2016); In silico analysis, which includes protein predictors and evolutionary conservation, supports that this variant does not alter protein structure/function; Has not been previously published as pathogenic or benign to our knowledge

Literature cited by the submitters: PubMed 40580951 (cited by Ambry Genetics).